The following is an entry in ClinVar:

ClinVar aggregate classification (germline): Pathogenic/Likely pathogenic. Review status: criteria provided, multiple submitters, no conflicts (2 of 4 stars). 2 submissions from 2 submitters: Pathogenic (1); Likely pathogenic (1). Last evaluated 2025-05-14.

Conditions:
Hypertrophic cardiomyopathy 4. Also called: Familial hypertrophic cardiomyopathy 4. Identifiers: MedGen C1861862, MONDO:0007268, OMIM 115197.

Submissions (2):

3billion
Classification: Pathogenic for Hypertrophic cardiomyopathy 4. Last evaluated: 2025-05-14. Review status: criteria provided, single submitter. Criteria: ACMG Guidelines, 2015. Collection method: clinical testing. Allele origin: germline. Affected: yes.
Comment: The variant is not observed in the gnomAD v4.1.0 dataset. Predicted Consequence/Location: Frameshift: predicted to result in a loss or disruption of normal protein function through nonsense-mediated decay (NMD) or protein truncation. Multiple pathogenic variants are reported downstream of the variant. The variant has been reported to be associated with MYBPC3-related disorder (PMID: 30896616). Therefore, this variant is classified as Pathogenic according to the recommendation of ACMG/AMP guideline.

Juno Genomics, Hangzhou Juno Genomics, Inc
Classification: Likely pathogenic for Hypertrophic cardiomyopathy 4. Review status: criteria provided, single submitter. Criteria: ACMG Guidelines, 2015. Collection method: clinical testing. Allele origin: germline.
Comment: Absent from controls (or at extremely low frequency if recessive) in Genome Aggregation Database.;Null variant in a gene where loss of function (LOF) is a known mechanism of disease.

Literature cited by the submitters: PubMed 30896616 (cited by 3billion).

NM_000256.3(MYBPC3):c.3033del (p.Gln1012fs)

Gene: MYBPC3 (myosin binding protein C3; minus strand). Cytogenetic location: 11p11.2.
Variant type: Deletion.
Coding change: c.3033del on transcript NM_000256.3 (MANE Select); coding-DNA position 3033, one base deleted (G; older notation c.3033delG).
Protein change: p.Gln1012fs; shifts the reading frame from glutamine 1012.
Molecular consequence: frameshift variant.
Genome position (GRCh38, 1-based): chr11:47,333,714, C deleted on the plus strand (G on the coding strand, the reverse complement: MYBPC3 is on the minus strand); the first of 4 consecutive C bases (chr11:47,333,714-47,333,717); deleting any one gives the same sequence. VCF-style (leftmost placement, unchanged base first): chr11-47333713-GC-G. GRCh37 (hg19) VCF-style: chr11-47355264-GC-G.
Other names: short protein forms Q1012fs.
Identifiers: ClinVar variation 4855852 (VCV004855852.3).